The following is an entry in ClinVar:

NM_001161352.2(KCNMA1):c.2965C>T (p.Arg989Cys)

Genes: KCNMA1 (potassium calcium-activated channel subfamily M alpha 1; minus strand), KCNMA1-AS1 (KCNMA1 antisense RNA 1; plus strand). Cytogenetic location: 10q22.3.
Variant type: single nucleotide variant.
Coding change: c.2965C>T on transcript NM_001161352.2 (MANE Select); coding-DNA position 2965, C replaced by T.
Protein change: p.Arg989Cys; replaces arginine 989 with cysteine.
Molecular consequence: missense variant.
Genome position (GRCh38, 1-based): chr10:76,914,987, G>A on the plus strand (C>T on the coding strand, the complement: KCNMA1 is on the minus strand). VCF-style: chr10-76914987-G-A. GRCh37 (hg19) VCF-style: chr10-78674745-G-A.
Other names: c.2803C>T, p.Arg935Cys (NM_001014797.3, NM_001322835.2, NM_001322837.2); c.2914C>T, p.Arg972Cys (NM_001161353.2); c.2641C>T, p.Arg881Cys (NM_001271518.2); c.2800C>T, p.Arg934Cys (NM_001271519.2, NM_001322829.2, NM_001322836.2); c.2812C>T, p.Arg938Cys (NM_001322830.2); c.2791C>T, p.Arg931Cys (NM_001322832.2, NM_002247.4); c.2338C>T, p.Arg780Cys (NM_001322838.2); short protein forms R931C, R935C, R938C, R881C, R989C, R780C, R934C, R972C.
Identifiers: ClinVar variation 499429 (VCV000499429.19), dbSNP rs143599540, ClinGen allele CA5567950.
Genomic context (GRCh38, chr10:76,914,987, plus strand): 5'-GACCCCTACCTAGTTCAGTGATGATGGGGATGTTGACCCCAGTTGTGATGGATGGTTGAC[G>A]TAACATCCCGTGCACTGGGCTGTTATCTGGAGAGGATCTATCCATTCCTGGAGGTGTGAA-3'
Protein context (NP_001154824.1, residues 979-999): PDNSPVHGML[Arg989Cys]QPSITTGVNI

ClinVar aggregate classification (germline): Conflicting classifications of pathogenicity. Review status: criteria provided, conflicting classifications (1 of 4 stars). 4 submissions from 4 submitters: Uncertain significance (1); Likely benign (3). Last evaluated 2026-06-24.

Conditions:
KCNMA1-related disorder. Also called: KCNMA1-related condition; KCNMA1-related disorders.
Generalized epilepsy-paroxysmal dyskinesia syndrome (PNKD3). Also called: Generalized epilepsy and paroxysmal dyskinesia; Paroxysmal nonkinesigenic dyskinesia, 3, with or without generalized epilepsy. Identifiers: Orphanet 79137, MedGen C5574945, MONDO:0012276, OMIM 609446.

Allele frequency attached by ClinVar (database versions not stated): 1000 Genomes Project 0.00080; gnomAD 0.00045 and 0.00042; 1000 Genomes Project 30x 0.00062; gnomAD exomes 0.00013 and 0.00005; ExAC 0.00019; ESP Exome Variant Server 0.00038; TOPMed 0.00047.
gnomAD v4.1: 135 of 1,613,638 alleles (0.0084%); highest among the groups gnomAD compares: African/African-American, 0.15%; 2 homozygotes.

Submissions (4):

PreventionGenetics, part of Exact Sciences
Classification: Likely benign for KCNMA1-related condition. Last evaluated: 2026-06-24. Review status: criteria provided, single submitter. Criteria: ACMG Guidelines, 2015. Collection method: clinical testing. Allele origin: germline.
Comment: This variant is classified as likely benign based on ACMG/AMP sequence variant interpretation guidelines (Richards et al. 2015 PMID: 25741868, with internal and published modifications).

Labcorp Genetics (formerly Invitae), Labcorp
Classification: Likely benign for Generalized epilepsy-paroxysmal dyskinesia syndrome. Last evaluated: 2025-12-26. Review status: criteria provided, single submitter. Criteria: Invitae Variant Classification Sherloc (09022015). Collection method: clinical testing. Allele origin: germline.

GeneDx
Classification: Likely benign. Last evaluated: 2018-11-08. Review status: criteria provided, single submitter. Criteria: GeneDx Variant Classification Process June 2021. Collection method: clinical testing. Allele origin: germline. Affected: yes.

Eurofins Ntd Llc (ga)
Classification: Uncertain significance. Last evaluated: 2017-01-20. Review status: criteria provided, single submitter. Criteria: EGL Classification Definitions 2015. Collection method: clinical testing. Allele origin: germline. Observed: 1 variant allele, 1 heterozygote.